The following is an entry in ClinVar:

ClinVar aggregate classification (germline): Uncertain significance (1 of 4 stars; one submission).

Allele frequency attached by ClinVar (database versions not stated): ExAC 0.00001.

Submission:

Ambry Genetics
Classification: Uncertain significance. Last evaluated: 2026-08-18. Review status: criteria provided, single submitter. Criteria: Ambry Variant Classification Scheme 2023. Collection method: clinical testing. Allele origin: germline.
Comment: The c.517T>C (p.Y173H) alteration is located in exon 2 (coding exon 1) of the ZCCHC5 gene. This alteration results from a T to C substitution at nucleotide position 517, causing the tyrosine (Y) at amino acid position 173 to be replaced by a histidine (H). Based on data from gnomAD, the C allele has an overall frequency of 0.001% (1/177731) total alleles studied. The highest observed frequency was 0.008% (1/13410) of East Asian alleles. Based on insufficient or conflicting evidence, the clinical significance of this alteration remains unclear.

NM_152694.3(RTL3):c.517T>C (p.Tyr173His)

Gene: RTL3 (retrotransposon Gag like 3; minus strand). Cytogenetic location: Xq21.1.
Variant type: single nucleotide variant.
Coding change: c.517T>C on transcript NM_152694.3 (MANE Select); coding-DNA position 517, T replaced by C.
Protein change: p.Tyr173His; replaces tyrosine 173 with histidine.
Molecular consequence: missense variant.
Genome position (GRCh38, 1-based): chrX:78,657,904, A>G on the plus strand (T>C on the coding strand, the complement: RTL3 is on the minus strand). VCF-style: chrX-78657904-A-G. GRCh37 (hg19) VCF-style: chrX-77913401-A-G.
Other names: short protein forms Y173H.
Identifiers: ClinVar variation 3156901 (VCV003156901.2), dbSNP rs750181293, ClinGen allele CA10460443.